The following is an entry in ClinVar:

NM_000530.8(MPZ):c.646-6C>G

Gene: MPZ (myelin protein zero; minus strand). Cytogenetic location: 1q23.3.
Variant type: single nucleotide variant.
Coding change: c.646-6C>G on transcript NM_000530.8 (MANE Select); 6 bases into the intron before coding-DNA position 646, C replaced by G.
Molecular consequence: intron variant.
Genome position (GRCh38, 1-based): chr1:161,305,983, G>C on the plus strand (C>G on the coding strand, the complement: MPZ is on the minus strand). VCF-style: chr1-161305983-G-C. GRCh37 (hg19) VCF-style: chr1-161275773-G-C.
Other names: c.646-6C>G (NM_001315491.2).
Identifiers: ClinVar variation 3643180 (VCV003643180.2).
Genomic context (GRCh38, chr1:161,305,983, plus strand): 5'-CACTGACAGCTTTGGTGCTTCTGCTGTGGTCCAGCATTGCATACAGCACTGGCGTCTGGG[G>C]GAGGGGCGCACACATCAGTCACCGAGCGACTGGGGCTTGACTGTTCCCATCCCACCCCTC-3'

ClinVar aggregate classification (germline): Uncertain significance (1 of 4 stars; one submission).

Conditions:
Charcot-Marie-Tooth disease, type I (CMT1). Also called: Charcot-Marie-Tooth, Type 1; Charcot-Marie-Tooth disease type 1. Identifiers: Orphanet 65753, MedGen C0751036, MONDO:0019011.

Submission:

Labcorp Genetics (formerly Invitae), Labcorp
Classification: Uncertain significance for Charcot-Marie-Tooth disease, type I. Last evaluated: 2024-02-25. Review status: criteria provided, single submitter. Criteria: Invitae Variant Classification Sherloc (09022015). Collection method: clinical testing. Allele origin: germline.
Comment: This sequence change falls in intron 5 of the MPZ gene. It does not directly change the encoded amino acid sequence of the MPZ protein. This variant is not present in population databases (gnomAD no frequency). This variant has not been reported in the literature in individuals affected with MPZ-related conditions. Algorithms developed to predict the effect of sequence changes on RNA splicing suggest that this variant may disrupt the consensus splice site. In summary, the available evidence is currently insufficient to determine the role of this variant in disease. Therefore, it has been classified as a Variant of Uncertain Significance.